The following is an entry in ClinVar:

NM_004393.6(DAG1):c.1708G>T (p.Val570Leu)

Gene: DAG1 (dystroglycan 1; plus strand). Cytogenetic location: 3p21.31.
Variant type: single nucleotide variant.
Coding change: c.1708G>T on transcript NM_004393.6 (MANE Select); coding-DNA position 1708, G replaced by T.
Protein change: p.Val570Leu; replaces valine 570 with leucine.
Molecular consequence: missense variant.
Genome position (GRCh38, 1-based): chr3:49,532,219, G>T. VCF-style: chr3-49532219-G-T. GRCh37 (hg19) VCF-style: chr3-49569652-G-T.
Other names: c.1708G>T, p.Val570Leu (NM_001177638.3, NM_001177639.3, NM_001177640.3 and 18 more transcripts); short protein forms V570L.
Identifiers: ClinVar variation 4794100 (VCV004794100.1).

ClinVar aggregate classification (germline): Uncertain significance (1 of 4 stars; one submission).

Conditions:
Muscular dystrophy-dystroglycanopathy (congenital with brain and eye anomalies), type A9. Also called: Muscular dystrophy-dystroglycanopathy (congenital with brain and eye anomalies), type a, 9; WALKER-WARBURG SYNDROME OR MUSCLE-EYE BRAIN DISEASE, DAG1-RELATED. Identifiers: Orphanet 370997, Orphanet 899, MedGen C4225291, MONDO:0014683, OMIM 616538.
Autosomal recessive limb-girdle muscular dystrophy type 2P. Also called: MUSCULAR DYSTROPHY-DYSTROGLYCANOPATHY, LIMB-GIRDLE, DAG1-RELATED; Limb-Girdle Muscular Dystrophy Type 9C; MUSCULAR DYSTROPHY, LIMB-GIRDLE, TYPE 2P. Identifiers: Orphanet 280333, MedGen C4511963, MONDO:0013440, OMIM 613818.

gnomAD v4.1: 11 of 1,614,088 alleles (0.00068%); highest among the groups gnomAD compares: East Asian, 0.0022%; no homozygotes.

Submission:

Labcorp Genetics (formerly Invitae), Labcorp
Classification: Uncertain significance for Autosomal recessive limb-girdle muscular dystrophy type 2P; Muscular dystrophy-dystroglycanopathy (congenital with brain and eye anomalies), type A9. Last evaluated: 2025-07-28. Review status: criteria provided, single submitter. Criteria: Invitae Variant Classification Sherloc (09022015). Collection method: clinical testing. Allele origin: germline.
Comment: This sequence change replaces valine, which is neutral and non-polar, with leucine, which is neutral and non-polar, at codon 570 of the DAG1 protein (p.Val570Leu). This variant is present in population databases (rs370669533, gnomAD 0.002%). This variant has not been reported in the literature in individuals affected with DAG1-related conditions. Invitae Evidence Modeling of protein sequence and biophysical properties (such as structural, functional, and spatial information, amino acid conservation, physicochemical variation, residue mobility, and thermodynamic stability) indicates that this missense variant is not expected to disrupt DAG1 protein function with a negative predictive value of 80%. In summary, the available evidence is currently insufficient to determine the role of this variant in disease. Therefore, it has been classified as a Variant of Uncertain Significance.